The following is an entry in ClinVar:

NM_001258392.3(CLPB):c.917G>A (p.Arg306His)

Gene: CLPB (ClpB family mitochondrial disaggregase; minus strand). Cytogenetic location: 11q13.4.
Variant type: single nucleotide variant.
Coding change: c.917G>A on transcript NM_001258392.3 (MANE Select); coding-DNA position 917, G replaced by A.
Protein change: p.Arg306His; replaces arginine 306 with histidine.
Molecular consequence: missense variant.
Genome position (GRCh38, 1-based): chr11:72,317,177, C>T on the plus strand (G>A on the coding strand, the complement: CLPB is on the minus strand). VCF-style: chr11-72317177-C-T. GRCh37 (hg19) VCF-style: chr11-72028221-C-T.
Other names: c.830G>A, p.Arg277His (NM_001258393.3); c.872G>A, p.Arg291His (NM_001258394.3); c.1007G>A, p.Arg336His (NM_030813.6); c.1007G>A (NM_030813.3); short protein forms R277H, R291H, R306H, R336H.
Identifiers: ClinVar variation 2415827 (VCV002415827.12), dbSNP rs753116917, ClinGen allele CA6171329.

ClinVar aggregate classification (germline): Uncertain significance. Review status: criteria provided, multiple submitters, no conflicts (2 of 4 stars). 2 submissions from 2 submitters: Uncertain significance (2). Last evaluated 2025-05-13.

Conditions:
3-methylglutaconic aciduria, type VIIB (MGCA7B). Also called: CLPB Deficiency; 3-methylglutaconic aciduria, type VII, with cataracts, neurologic involvement and neutropenia; 3-methylglutaconic aciduria with cataracts, neurologic involvement and neutropenia. Identifiers: Orphanet 445038, MedGen C5676893, MONDO:0014561, OMIM 616271.
Inborn genetic diseases. Identifiers: MedGen C0950123, MeSH D030342.

Allele frequency attached by ClinVar (database versions not stated): ExAC 0.00002; gnomAD 0.00002; gnomAD exomes 0.00002; TOPMed 0.00003.

Submissions (2):

Labcorp Genetics (formerly Invitae), Labcorp
Classification: Uncertain significance for 3-methylglutaconic aciduria, type VIIB. Last evaluated: 2025-05-13. Review status: criteria provided, single submitter. Criteria: Invitae Variant Classification Sherloc (09022015). Collection method: clinical testing. Allele origin: germline.
Comment: This sequence change replaces arginine, which is basic and polar, with histidine, which is basic and polar, at codon 336 of the CLPB protein (p.Arg336His). This variant is present in population databases (rs753116917, gnomAD 0.03%). This variant has not been reported in the literature in individuals affected with CLPB-related conditions. ClinVar contains an entry for this variant (Variation ID: 2415827). An algorithm developed to predict the effect of missense changes on protein structure and function (PolyPhen-2) suggests that this variant is likely to be disruptive. In summary, the available evidence is currently insufficient to determine the role of this variant in disease. Therefore, it has been classified as a Variant of Uncertain Significance.

Ambry Genetics
Classification: Uncertain significance for Inborn genetic diseases. Last evaluated: 2023-05-03. Review status: criteria provided, single submitter. Criteria: Ambry Variant Classification Scheme 2023. Collection method: clinical testing. Allele origin: germline.